The following is an entry in ClinVar:

ClinVar aggregate classification (germline): Pathogenic/Likely pathogenic. Review status: criteria provided, multiple submitters, no conflicts (2 of 4 stars). 5 submissions from 5 submitters: Pathogenic (4); Likely pathogenic (1). Last evaluated 2025-12-12.

Conditions:
TRIOBP-related disorder. Also called: TRIOBP-related condition.
Autosomal recessive nonsyndromic hearing loss 28. Identifiers: Orphanet 90636, MedGen C1853276, MONDO:0012355, OMIM 609823.

Allele frequency attached by ClinVar (database versions not stated): gnomAD exomes 0.00004; ESP Exome Variant Server 0.00008; TOPMed 0.00009; gnomAD 0.00016; ExAC 0.00002.
gnomAD v4.1: 79 of 1,611,278 alleles (0.0049%); highest among the groups gnomAD compares: Non-Finnish European, 0.0061%; no homozygotes.

Submissions (5):

PreventionGenetics, part of Exact Sciences
Classification: Likely pathogenic for TRIOBP-related condition. Last evaluated: 2025-12-12. Review status: criteria provided, single submitter. Criteria: ACMG Guidelines, 2015. Collection method: clinical testing. Allele origin: germline.
Comment: The TRIOBP c.1933C>T variant is predicted to result in premature protein termination (p.Gln645*). To our knowledge, this variant has not been reported in the literature. This variant is reported in 0.0093% of alleles in individuals of European (Non-Finnish) descent in gnomAD. Nonsense variants in TRIOBP are expected to be pathogenic. This variant is interpreted as likely pathogenic.

Labcorp Genetics (formerly Invitae), Labcorp
Classification: Pathogenic. Last evaluated: 2025-02-15. Review status: criteria provided, single submitter. Criteria: Invitae Variant Classification Sherloc (09022015). Collection method: clinical testing. Allele origin: germline.
Comment: This sequence change creates a premature translational stop signal (p.Gln645*) in the TRIOBP gene. It is expected to result in an absent or disrupted protein product. Loss-of-function variants in TRIOBP are known to be pathogenic (PMID: 16385457, 16385458, 20510926). This variant is present in population databases (rs377748152, gnomAD 0.009%). This variant has not been reported in the literature in individuals affected with TRIOBP-related conditions. ClinVar contains an entry for this variant (Variation ID: 620162). For these reasons, this variant has been classified as Pathogenic.

GeneDx
Classification: Pathogenic. Last evaluated: 2024-10-17. Review status: criteria provided, single submitter. Criteria: GeneDx Variant Classification Process June 2021. Collection method: clinical testing. Allele origin: germline. Affected: yes.
Comment: Nonsense variant predicted to result in protein truncation or nonsense mediated decay in a gene for which loss of function is a known mechanism of disease; Has not been previously published as pathogenic or benign to our knowledge

Blueprint Genetics
Classification: Pathogenic for TRIOBP-related disorders. Last evaluated: 2024-07-09. Review status: criteria provided, single submitter. Criteria: ACMG Guidelines, 2015. Collection method: clinical testing. Allele origin: germline. Affected: yes. Observed: 5 variant alleles.

Dasa
Classification: Pathogenic for Autosomal recessive nonsyndromic hearing loss 28. Last evaluated: 2022-04-10. Review status: criteria provided, single submitter. Criteria: ACMG Guidelines, 2015. Collection method: clinical testing. Allele origin: germline. Affected: yes. Observed: 1 variant allele.
Comment: The c.1933C>T;p.(Gln645)* variant creates a premature translational stop signal in the TRIOBP gene. It is expected to result in an absent or disrupted protein product -PVS1. This sequence change has been observed in affected individual(s) and ClinVar contains an entry for this variant (ClinVar ID: 620162) - PS4. The variant is present at low allele frequencies population databases (rs377748152 – gnomAD 0.0005343%; ABraOM 0.000428 frequency) - PM2_supporting. In summary, the currently available evidence indicates that the variant is pathogenic.

Literature cited by the submitters: PubMed 16385457 (cited by Labcorp Genetics (formerly Invitae), Labcorp); PubMed 16385458 (cited by Labcorp Genetics (formerly Invitae), Labcorp); PubMed 20510926 (cited by Labcorp Genetics (formerly Invitae), Labcorp).

NM_001039141.3(TRIOBP):c.1933C>T (p.Gln645Ter)

Gene: TRIOBP (TRIO and F-actin binding protein; plus strand). Cytogenetic location: 22q13.1.
Variant type: single nucleotide variant.
Coding change: c.1933C>T on transcript NM_001039141.3 (MANE Select); coding-DNA position 1933, C replaced by T.
Protein change: p.Gln645Ter; replaces glutamine 645 with a stop codon.
Molecular consequence: nonsense.
Genome position (GRCh38, 1-based): chr22:37,724,489, C>T. VCF-style: chr22-37724489-C-T. GRCh37 (hg19) VCF-style: chr22-38120496-C-T.
Other names: short protein forms Q645*.
Identifiers: ClinVar variation 620162 (VCV000620162.11), dbSNP rs377748152, ClinGen allele CA10223734.